The following is an entry in ClinVar:

ClinVar aggregate classification (germline): Likely benign (0 of 4 stars; one submission).

Conditions:
DROSHA-related disorder. Also called: DROSHA-related condition.

Allele frequency attached by ClinVar (database versions not stated): TOPMed 0.00009; ESP Exome Variant Server 0.00016; 1000 Genomes Project 0.00040; 1000 Genomes Project 30x 0.00047.
gnomAD v4.1: 116 of 1,424,824 alleles (0.0081%); highest among the groups gnomAD compares: Admixed American, 0.014%; no homozygotes.

Submission:

PreventionGenetics, part of Exact Sciences
Classification: Likely benign for DROSHA-related condition. Last evaluated: 2023-06-13. Review status: no assertion criteria provided. Collection method: clinical testing. Allele origin: germline.
Comment: This variant is classified as likely benign based on ACMG/AMP sequence variant interpretation guidelines (Richards et al. 2015 PMID: 25741868, with internal and published modifications).

NM_001382508.1(DROSHA):c.300G>A (p.Pro100=)

Gene: DROSHA (drosha ribonuclease III; minus strand). Cytogenetic location: 5p13.3.
Variant type: single nucleotide variant.
Coding change: c.300G>A on transcript NM_001382508.1 (MANE Select); coding-DNA position 300, G replaced by A.
Protein change: p.Pro100=; no amino-acid change (proline 100 retained).
Molecular consequence: synonymous variant.
Genome position (GRCh38, 1-based): chr5:31,526,633, C>T on the plus strand (G>A on the coding strand, the complement: DROSHA is on the minus strand). VCF-style: chr5-31526633-C-T. GRCh37 (hg19) VCF-style: chr5-31526740-C-T.
Other names: c.300G>A, p.Pro100= (NM_001100412.2, NM_013235.5).
Identifiers: ClinVar variation 3048433 (VCV003048433.2), dbSNP rs372836185, ClinGen allele CA3217975.